The following is an entry in ClinVar:

NM_024580.6(EFL1):c.2436_2437del (p.Gly813fs)

Gene: EFL1 (elongation factor like GTPase 1; minus strand). Cytogenetic location: 15q25.2.
Variant type: Deletion.
Coding change: c.2436_2437del on transcript NM_024580.6 (MANE Select); coding-DNA positions 2436 to 2437, 2 bases deleted (AG; older notation c.2436_2437delAG).
Protein change: p.Gly813fs; shifts the reading frame from glycine 813.
Molecular consequence: frameshift variant. On other transcripts: non-coding transcript variant (1).
Genome position (GRCh38, 1-based): chr15:82,152,017-82,152,018, CT deleted on the plus strand (AG on the coding strand, the reverse complement: EFL1 is on the minus strand). VCF-style (leftmost placement, unchanged base first): chr15-82152016-CCT-C. GRCh37 (hg19) VCF-style: chr15-82444357-CCT-C.
Other names: c.2283_2284del, p.Gly762fs (NM_001040610.3); c.1647_1648del, p.Gly550fs (NM_001322844.2); c.2436_2437del, p.Gly813fs (NM_001322845.2); short protein forms G550fs, G762fs, G813fs.
Identifiers: ClinVar variation 4870194 (VCV004870194.1).

ClinVar aggregate classification (germline): Pathogenic (1 of 4 stars; one submission).

Conditions:
Inborn genetic diseases. Identifiers: MedGen C0950123, MeSH D030342.

Submission:

Ambry Genetics
Classification: Pathogenic for Inborn genetic diseases. Last evaluated: 2026-05-06. Review status: criteria provided, single submitter. Criteria: Ambry Variant Classification Scheme 2023. Collection method: clinical testing. Allele origin: germline.
Comment: The c.2436_2437delAG (p.G813Efs*8) alteration, located in exon 18 (coding exon 17) of the EFL1 gene, consists of a deletion of 2 nucleotides from position 2436 to 2437, causing a translational frameshift with a predicted alternate stop codon after 8 amino acids. This variant is expected to result in loss of function by premature protein truncation or nonsense-mediated mRNA decay. Based on data from gnomAD, the EFL1 c.2436_2437delAG allele has an overall frequency of <0.001% (1/248968) total alleles studied. Based on the available evidence, this alteration is classified as pathogenic.